The following is an entry in ClinVar:

NM_000170.3(GLDC):c.1501A>G (p.Met501Val)

Gene: GLDC (glycine decarboxylase; minus strand). Cytogenetic location: 9p24.1.
Variant type: single nucleotide variant.
Coding change: c.1501A>G on transcript NM_000170.3 (MANE Select); coding-DNA position 1501, A replaced by G.
Protein change: p.Met501Val; replaces methionine 501 with valine.
Molecular consequence: missense variant.
Genome position (GRCh38, 1-based): chr9:6,589,274, T>C on the plus strand (A>G on the coding strand, the complement: GLDC is on the minus strand). VCF-style: chr9-6589274-T-C. GRCh37 (hg19) VCF-style: chr9-6589274-T-C.
Other names: c.1501A>G (NM_000170.2); short protein forms M501V.
Identifiers: ClinVar variation 1443962 (VCV001443962.4), dbSNP rs748216955, ClinGen allele CA4980671.

ClinVar aggregate classification (germline): Uncertain significance. Review status: criteria provided, multiple submitters, no conflicts (2 of 4 stars). 2 submissions from 2 submitters: Uncertain significance (2). Last evaluated 2026-07-14.

Conditions:
Glycine encephalopathy. Also called: Nonketotic hyperglycinemia; Non-ketotic hyperglycinemia. Identifiers: Orphanet 407, MedGen C0751748, MONDO:0011612, HP:0008288.
GLDC-related disorder. Also called: GLDC-related condition.

Allele frequency attached by ClinVar (database versions not stated): ExAC 0.00003; gnomAD exomes 0.00004 and 0.00002.
gnomAD v4.1: 50 of 1,607,646 alleles (0.0031%); highest among the groups gnomAD compares: Non-Finnish European, 0.0039%; no homozygotes.

Submissions (2):

PreventionGenetics, part of Exact Sciences
Classification: Uncertain significance for GLDC-related condition. Last evaluated: 2026-07-14. Review status: criteria provided, single submitter. Criteria: ACMG Guidelines, 2015. Collection method: clinical testing. Allele origin: germline.
Comment: The GLDC c.1501A>G variant is predicted to result in the amino acid substitution p.Met501Val. To our knowledge, this variant has not been reported in the literature. This variant is reported in 0.0035% of alleles in individuals of European (Non-Finnish) descent in gnomAD. At this time, the clinical significance of this variant is uncertain due to the absence of conclusive functional and genetic evidence.

Labcorp Genetics (formerly Invitae), Labcorp
Classification: Uncertain significance for Glycine encephalopathy. Last evaluated: 2022-07-12. Review status: criteria provided, single submitter. Criteria: Invitae Variant Classification Sherloc (09022015). Collection method: clinical testing. Allele origin: germline.
Comment: This sequence change replaces methionine, which is neutral and non-polar, with valine, which is neutral and non-polar, at codon 501 of the GLDC protein (p.Met501Val). This variant is present in population databases (rs748216955, gnomAD 0.004%). This variant has not been reported in the literature in individuals affected with GLDC-related conditions. ClinVar contains an entry for this variant (Variation ID: 1443962). Advanced modeling of protein sequence and biophysical properties (such as structural, functional, and spatial information, amino acid conservation, physicochemical variation, residue mobility, and thermodynamic stability) performed at Invitae indicates that this missense variant is not expected to disrupt GLDC protein function. In summary, the available evidence is currently insufficient to determine the role of this variant in disease. Therefore, it has been classified as a Variant of Uncertain Significance.